The following is an entry in ClinVar:

NM_004304.5(ALK):c.4708C>G (p.Pro1570Ala)

Gene: ALK (ALK receptor tyrosine kinase; minus strand). Cytogenetic location: 2p23.2.
Variant type: single nucleotide variant.
Coding change: c.4708C>G on transcript NM_004304.5 (MANE Select); coding-DNA position 4708, C replaced by G.
Protein change: p.Pro1570Ala; replaces proline 1570 with alanine.
Molecular consequence: missense variant.
Genome position (GRCh38, 1-based): chr2:29,193,379, G>C on the plus strand (C>G on the coding strand, the complement: ALK is on the minus strand). VCF-style: chr2-29193379-G-C. GRCh37 (hg19) VCF-style: chr2-29416245-G-C.
Other names: c.4708C>G (NM_004304.4); c.1504C>G, p.Pro502Ala (NM_001353765.2); short protein forms P502A, P1570A.
Identifiers: ClinVar variation 1361166 (VCV001361166.9), dbSNP rs2148137416, ClinGen allele CA346460411.
Genomic context (GRCh38, chr2:29,193,379, plus strand): 5'-CCTGTTGCTGGTAGCCGTAATTGACATTCCCACAAGGGAAGTGACGTAGCCTGAACAGAG[G>C]TACCTCCTTCATATTGGCAGTCAGCGAAGAGGGCTCTAGGAGCAGTGAGGCCCCCGGAAG-3'
Protein context (NP_004295.2, residues 1560-1580): SSLTANMKEV[Pro1570Ala]LFRLRHFPCG

ClinVar aggregate classification (germline): Uncertain significance. Review status: criteria provided, multiple submitters, no conflicts (2 of 4 stars). 2 submissions from 2 submitters: Uncertain significance (2). Last evaluated 2025-05-14.

Conditions:
Hereditary cancer-predisposing syndrome. Also called: Hereditary Cancer Syndrome; Hereditary neoplastic syndrome; Tumor predisposition; Neoplastic Syndromes, Hereditary. Identifiers: Orphanet 140162, MedGen C0027672, MeSH D009386, MONDO:0015356.
Neuroblastoma, susceptibility to, 3. Also called: ALK-Related Neuroblastic Tumor Susceptibility. Identifiers: Orphanet 635, MedGen C2751681, MONDO:0013083, OMIM 613014.

Submissions (2):

Ambry Genetics
Classification: Uncertain significance for Hereditary cancer-predisposing syndrome. Last evaluated: 2025-05-14. Review status: criteria provided, single submitter. Criteria: Ambry Variant Classification Scheme 2023. Collection method: clinical testing. Allele origin: germline.
Comment: The p.P1570A variant (also known as c.4708C>G), located in coding exon 29 of the ALK gene, results from a C to G substitution at nucleotide position 4708. The proline at codon 1570 is replaced by alanine, an amino acid with highly similar properties. This amino acid position is highly conserved in available vertebrate species. In addition, this alteration is predicted to be tolerated by in silico analysis. Based on the available evidence, the clinical significance of this variant remains unclear.

Labcorp Genetics (formerly Invitae), Labcorp
Classification: Uncertain significance for Neuroblastoma, susceptibility to, 3. Last evaluated: 2022-12-31. Review status: criteria provided, single submitter. Criteria: Invitae Variant Classification Sherloc (09022015). Collection method: clinical testing. Allele origin: germline.
Comment: This sequence change replaces proline, which is neutral and non-polar, with alanine, which is neutral and non-polar, at codon 1570 of the ALK protein (p.Pro1570Ala). This variant is not present in population databases (gnomAD no frequency). This variant has not been reported in the literature in individuals affected with ALK-related conditions. ClinVar contains an entry for this variant (Variation ID: 1361166). Algorithms developed to predict the effect of missense changes on protein structure and function (SIFT, PolyPhen-2, Align-GVGD) all suggest that this variant is likely to be disruptive. In summary, the available evidence is currently insufficient to determine the role of this variant in disease. Therefore, it has been classified as a Variant of Uncertain Significance.